The following is an entry in ClinVar:

NM_001017995.3(SH3PXD2B):c.*571C>T

Gene: SH3PXD2B (SH3 and PX domains 2B; minus strand). Cytogenetic location: 5q35.1.
Variant type: single nucleotide variant.
Coding change: c.*571C>T on transcript NM_001017995.3 (MANE Select); 571 bases downstream of the stop codon, C replaced by T.
Molecular consequence: 3 prime UTR variant. On other transcripts: intron variant (1).
Genome position (GRCh38, 1-based): chr5:172,337,798, G>A on the plus strand (C>T on the coding strand, the complement: SH3PXD2B is on the minus strand). VCF-style: chr5-172337798-G-A. GRCh37 (hg19) VCF-style: chr5-171764802-G-A.
Other names: c.1188+8338C>T (NM_001308175.2).
Identifiers: ClinVar variation 352794 (VCV000352794.5), dbSNP rs150134055, ClinGen allele CA10619994.
Genomic context (GRCh38, chr5:172,337,798, plus strand): 5'-GAGCGGATCTCCAGGCCCACTCCTGGGGGAGCCGCATCCAGTGGAACCTCAGAGGCCCAC[G>A]GGCCTGAGGCTTTGGGGAAGGGGACACTTTCCCTGGAACTGGTAATGGAATGCATTTCTT-3'

ClinVar aggregate classification (germline): Benign (1 of 4 stars; one submission).

Conditions:
Frank-Ter Haar syndrome. Also called: BORRONE DERMATOCARDIOSKELETAL SYNDROME; TER HAAR SYNDROME; MELNICK-NEEDLES SYNDROME, AUTOSOMAL RECESSIVE; Borrone di Rocco Crovato syndrome. Identifiers: Orphanet 1266, Orphanet 137834, MedGen C1855305, MONDO:0009579, OMIM 249420.

Allele frequency attached by ClinVar (database versions not stated): gnomAD exomes 0.00030; gnomAD 0.00357 and 0.00371; TOPMed 0.00408; 1000 Genomes Project 30x 0.00422; 1000 Genomes Project 0.00459.
gnomAD v4.1: 838 of 996,222 alleles (0.084%); highest among the groups gnomAD compares: African/African-American, 1.3%; 11 homozygotes.

Submission:

Illumina Laboratory Services, Illumina
Classification: Benign for Frank-Ter Haar syndrome. Last evaluated: 2018-01-12. Review status: criteria provided, single submitter. Criteria: ICSL Variant Classification Criteria 13 December 2019. Collection method: clinical testing. Allele origin: germline.
Comment: This variant was observed in the ICSL laboratory as part of a predisposition screen in an ostensibly healthy population. It had not been previously curated by ICSL or reported in the Human Gene Mutation Database (HGMD: prior to June 1st, 2018), and was therefore a candidate for classification through an automated scoring system. Utilizing variant allele frequency, disease prevalence and penetrance estimates, and inheritance mode, an automated score was calculated to assess if this variant is too frequent to cause the disease. Based on the score and internal cut-off values, a variant classified as benign is not then subjected to further curation. The score for this variant resulted in a classification of benign for this disease.